The following is an entry in ClinVar:

ClinVar aggregate classification (germline): Uncertain significance (1 of 4 stars; one submission).

Conditions:
Legius syndrome. Identifiers: Orphanet 137605, MedGen C1969623, MONDO:0012669, OMIM 611431. Disease mechanism: loss of function.

Submission:

Labcorp Genetics (formerly Invitae), Labcorp
Classification: Uncertain significance for Legius syndrome. Last evaluated: 2023-03-09. Review status: criteria provided, single submitter. Criteria: Invitae Variant Classification Sherloc (09022015). Collection method: clinical testing. Allele origin: germline.
Comment: This sequence change replaces aspartic acid, which is acidic and polar, with asparagine, which is neutral and polar, at codon 9 of the SPRED1 protein (p.Asp9Asn). In summary, the available evidence is currently insufficient to determine the role of this variant in disease. Therefore, it has been classified as a Variant of Uncertain Significance. An algorithm developed to predict the effect of missense changes on protein structure and function (PolyPhen-2) suggests that this variant is likely to be tolerated. This variant has not been reported in the literature in individuals affected with SPRED1-related conditions. This variant is not present in population databases (gnomAD no frequency).

NM_152594.3(SPRED1):c.25G>A (p.Asp9Asn)

Gene: SPRED1 (sprouty related EVH1 domain containing 1; plus strand). Cytogenetic location: 15q14.
Variant type: single nucleotide variant.
Coding change: c.25G>A on transcript NM_152594.3 (MANE Select); coding-DNA position 25, G replaced by A.
Protein change: p.Asp9Asn; replaces aspartic acid 9 with asparagine.
Molecular consequence: missense variant.
Genome position (GRCh38, 1-based): chr15:38,253,210, G>A. VCF-style: chr15-38253210-G-A. GRCh37 (hg19) VCF-style: chr15-38545411-G-A.
Other names: short protein forms D9N.
Identifiers: ClinVar variation 2828445 (VCV002828445.3), dbSNP rs2542594496, ClinGen allele CA391931844.